The following is an entry in ClinVar:

ClinVar aggregate classification (germline): Uncertain significance. Review status: criteria provided, multiple submitters, no conflicts (2 of 4 stars). 2 submissions from 2 submitters: Uncertain significance (2). Last evaluated 2025-04-07.

Conditions:
Inborn genetic diseases. Identifiers: MedGen C0950123, MeSH D030342.

Allele frequency attached by ClinVar (database versions not stated): gnomAD exomes 0.00001.

Submissions (2):

Labcorp Genetics (formerly Invitae), Labcorp
Classification: Uncertain significance. Last evaluated: 2025-04-07. Review status: criteria provided, single submitter. Criteria: Invitae Variant Classification Sherloc (09022015). Collection method: clinical testing. Allele origin: germline.
Comment: This sequence change replaces methionine, which is neutral and non-polar, with threonine, which is neutral and polar, at codon 646 of the CSF2RB protein (p.Met646Thr). The frequency data for this variant in the population databases is considered unreliable, as metrics indicate poor data quality at this position in the gnomAD database. This variant has not been reported in the literature in individuals affected with CSF2RB-related conditions. ClinVar contains an entry for this variant (Variation ID: 2495418). Invitae Evidence Modeling of protein sequence and biophysical properties (such as structural, functional, and spatial information, amino acid conservation, physicochemical variation, residue mobility, and thermodynamic stability) indicates that this missense variant is not expected to disrupt CSF2RB protein function with a negative predictive value of 80%. In summary, the available evidence is currently insufficient to determine the role of this variant in disease. Therefore, it has been classified as a Variant of Uncertain Significance.

Ambry Genetics
Classification: Uncertain significance for Inborn genetic diseases. Last evaluated: 2023-03-07. Review status: criteria provided, single submitter. Criteria: Ambry Variant Classification Scheme 2023. Collection method: clinical testing. Allele origin: germline.

NM_000395.3(CSF2RB):c.1937T>C (p.Met646Thr)

Gene: CSF2RB (colony stimulating factor 2 receptor subunit beta; plus strand). Cytogenetic location: 22q12.3.
Variant type: single nucleotide variant.
Coding change: c.1937T>C on transcript NM_000395.3 (MANE Select); coding-DNA position 1937, T replaced by C.
Protein change: p.Met646Thr; replaces methionine 646 with threonine.
Molecular consequence: missense variant.
Genome position (GRCh38, 1-based): chr22:36,937,745, T>C. VCF-style: chr22-36937745-T-C. GRCh37 (hg19) VCF-style: chr22-37333787-T-C.
Other names: c.1955T>C, p.Met652Thr (NM_001410827.1); short protein forms M646T, M652T.
Identifiers: ClinVar variation 2495418 (VCV002495418.3), dbSNP rs1463121024, ClinGen allele CA411410495.